The following is an entry in ClinVar:

ClinVar aggregate classification (germline): Uncertain significance. Review status: criteria provided, multiple submitters, no conflicts (2 of 4 stars). 2 submissions from 2 submitters: Uncertain significance (2). Last evaluated 2026-07-15.

Conditions:
Hereditary cancer-predisposing syndrome. Also called: Tumor predisposition; Hereditary Cancer Syndrome; Hereditary neoplastic syndrome; Neoplastic Syndromes, Hereditary. Identifiers: Orphanet 140162, MedGen C0027672, MeSH D009386, MONDO:0015356.
Hereditary pheochromocytoma and paraganglioma. Also called: Hereditary paragangliomas and pheochromocytomas; Hereditary pheochromocytoma-paraganglioma; Hereditary Paraganglioma-Pheochromocytoma Syndromes. Identifiers: Orphanet 29072, MedGen C4274332, MONDO:0017366.

Submissions (2):

Ambry Genetics
Classification: Uncertain significance for Hereditary cancer-predisposing syndrome. Last evaluated: 2026-07-15. Review status: criteria provided, single submitter. Criteria: Ambry Variant Classification Scheme 2023. Collection method: clinical testing. Allele origin: germline.
Comment: The p.S62W variant (also known as c.185C>G), located in coding exon 1 of the TMEM127 gene, results from a C to G substitution at nucleotide position 185. The serine at codon 62 is replaced by tryptophan, an amino acid with highly dissimilar properties. This amino acid position is not well conserved in available vertebrate species. In addition, the in silico prediction for this alteration is inconclusive. Based on the available evidence, the clinical significance of this variant remains unclear.

Labcorp Genetics (formerly Invitae), Labcorp
Classification: Uncertain significance for Hereditary pheochromocytoma and paraganglioma. Last evaluated: 2022-02-18. Review status: criteria provided, single submitter. Criteria: Invitae Variant Classification Sherloc (09022015). Collection method: clinical testing. Allele origin: germline.
Comment: In summary, the available evidence is currently insufficient to determine the role of this variant in disease. Therefore, it has been classified as a Variant of Uncertain Significance. Experimental studies are conflicting or provide insufficient evidence to determine the effect of this variant on TMEM127 function (PMID: 32575117, 33051659). Algorithms developed to predict the effect of missense changes on protein structure and function are either unavailable or do not agree on the potential impact of this missense change (SIFT: "Tolerated"; PolyPhen-2: "Possibly Damaging"; Align-GVGD: "Class C0"). This missense change has been observed in individual(s) with pheochromocytoma (PMID: 32575117, 33051659). This variant is not present in population databases (gnomAD no frequency). This sequence change replaces serine, which is neutral and polar, with tryptophan, which is neutral and slightly polar, at codon 62 of the TMEM127 protein (p.Ser62Trp).

Literature cited by the submitters: PubMed 32575117 (cited by Labcorp Genetics (formerly Invitae), Labcorp); PubMed 33051659 (cited by Labcorp Genetics (formerly Invitae), Labcorp).

NM_017849.4(TMEM127):c.185C>G (p.Ser62Trp)

Gene: TMEM127 (transmembrane protein 127; minus strand). Cytogenetic location: 2q11.2.
Variant type: single nucleotide variant.
Coding change: c.185C>G on transcript NM_017849.4 (MANE Select); coding-DNA position 185, C replaced by G.
Protein change: p.Ser62Trp; replaces serine 62 with tryptophan.
Molecular consequence: missense variant.
Genome position (GRCh38, 1-based): chr2:96,265,197, G>C on the plus strand (C>G on the coding strand, the complement: TMEM127 is on the minus strand). VCF-style: chr2-96265197-G-C. GRCh37 (hg19) VCF-style: chr2-96930935-G-C.
Other names: c.185C>G, p.Ser62Trp (NM_001193304.3); short protein forms S62W.
Identifiers: ClinVar variation 2098777 (VCV002098777.5), dbSNP rs1248364576, ClinGen allele CA347655942.
Genomic context (GRCh38, chr2:96,265,197, plus strand): 5'-CCTTTCAGCAGGTCCGGGTGCACATAGCCCAACACGTCGGAGACCCCCAGCTCCTGGCGC[G>C]AACAGGTGCCTCCGTGGATGTGCAACCAGGCGGGCTCGGCGAGGGCAGTGCACAGCGCCG-3'
Protein context (NP_060319.1, residues 52-72): AWLHIHGGTC[Ser62Trp]RQELGVSDVL